The following is an entry in ClinVar:

NM_203447.4(DOCK8):c.2875-243C>T

Gene: DOCK8 (dedicator of cytokinesis 8; plus strand). Cytogenetic location: 9p24.3.
Variant type: single nucleotide variant.
Coding change: c.2875-243C>T on transcript NM_203447.4 (MANE Select); 243 bases into the intron before coding-DNA position 2875, C replaced by T.
Molecular consequence: intron variant.
Genome position (GRCh38, 1-based): chr9:390,228, C>T. VCF-style: chr9-390228-C-T. GRCh37 (hg19) VCF-style: chr9-390228-C-T.
Other names: c.2671-243C>T (NM_001193536.2); c.2575-243C>T (NM_001190458.2).
Identifiers: ClinVar variation 676852 (VCV000676852.1), dbSNP rs7028802, ClinGen allele CA13064266.

ClinVar aggregate classification (germline): Benign (1 of 4 stars; one submission).

Allele frequency attached by ClinVar (database versions not stated): gnomAD 0.10434 and 0.10661; TOPMed 0.10852; 1000 Genomes Project 0.10863; 1000 Genomes Project 30x 0.10915.
gnomAD v4.1: 15,965 of 152,046 alleles (11%); highest among the groups gnomAD compares: African/African-American, 16%; 984 homozygotes.

Submission:

GeneDx
Classification: Benign. Last evaluated: 2018-06-14. Review status: criteria provided, single submitter. Criteria: GeneDx Variant Classification (06012015). Collection method: clinical testing. Allele origin: germline. Affected: yes.
Comment: This variant is considered likely benign or benign based on one or more of the following criteria: it is a conservative change, it occurs at a poorly conserved position in the protein, it is predicted to be benign by multiple in silico algorithms, and/or has population frequency not consistent with disease.